The following is an entry in ClinVar:

NM_004082.5(DCTN1):c.1595G>T (p.Arg532Leu)

Gene: DCTN1 (dynactin subunit 1; minus strand). Cytogenetic location: 2p13.1.
Variant type: single nucleotide variant.
Coding change: c.1595G>T on transcript NM_004082.5 (MANE Select); coding-DNA position 1595, G replaced by T.
Protein change: p.Arg532Leu; replaces arginine 532 with leucine.
Molecular consequence: missense variant. On other transcripts: non-coding transcript variant (1).
Genome position (GRCh38, 1-based): chr2:74,369,204, C>A on the plus strand (G>T on the coding strand, the complement: DCTN1 is on the minus strand). VCF-style: chr2-74369204-C-A. GRCh37 (hg19) VCF-style: chr2-74596331-C-A.
Other names: c.1535G>T, p.Arg512Leu (NM_001135040.3); c.1193G>T, p.Arg398Leu (NM_001135041.3, NM_023019.4); c.1484G>T, p.Arg495Leu (NM_001190836.2); c.1574G>T, p.Arg525Leu (NM_001190837.2); c.1544G>T, p.Arg515Leu (NM_001378991.1); c.1526G>T, p.Arg509Leu (NM_001378992.1); short protein forms R495L, R525L, R398L, R512L, R532L, R509L, R515L.
Identifiers: ClinVar variation 808777 (VCV000808777.49), dbSNP rs759306485, ClinGen allele CA347357250.
Genomic context (GRCh38, chr2:74,369,204, plus strand): 5'-GTCTCTGGAGGTGGCTGCTGTTGCCTCTCCACAGATGCTTCCTGCTGGTTTGTCAGTTCC[C>A]GATTCACATCCTAGGAGGAGAGACAGTGAAGCACAGCTGGGTCATAAGGAAGCCCTGGGG-3'
Protein context (NP_004073.2, residues 522-542): QLTAHLQDVN[Arg532Leu]ELTNQQEASV

ClinVar aggregate classification (germline): Uncertain significance. Review status: criteria provided, multiple submitters, no conflicts (2 of 4 stars). 2 submissions from 2 submitters: Uncertain significance (2). Last evaluated 2023-03-07.

Conditions:
Amyotrophic lateral sclerosis type 1 (ALS1). Also called: AMYOTROPHIC LATERAL SCLEROSIS 1, FAMILIAL. Identifiers: Orphanet 803, MedGen C1862939, MONDO:0007103, OMIM 105400.
Perry syndrome. Also called: PARKINSONISM WITH ALVEOLAR HYPOVENTILATION AND MENTAL DEPRESSION. Identifiers: Orphanet 178509, MedGen C1868594, MONDO:0008201, OMIM 168605.
Neuronopathy, distal hereditary motor, type 7B. Also called: HMN VIIB; NEURONOPATHY, DISTAL HEREDITARY MOTOR, AUTOSOMAL DOMINANT 14; NEURONOPATHY, DISTAL HEREDITARY MOTOR, HARDING TYPE VIIB; NEUROPATHY, DISTAL HEREDITARY MOTOR, HARDING TYPE VIIB; NEUROPATHY, DISTAL HEREDITARY MOTOR, WITH VOCAL CORD PARALYSIS, HARDING TYPE VIIB; Distal Hereditary Motor Neuronopathy Type 7B (dHMN7B). Identifiers: Orphanet 139589, MedGen C1843315, MONDO:0011879, OMIM 607641.

gnomAD v4.1: 1 of 1,614,170 alleles (0.000062%); highest among the groups gnomAD compares: Non-Finnish European, 0.000085%; no homozygotes.

Submissions (2):

Labcorp Genetics (formerly Invitae), Labcorp
Classification: Uncertain significance for Amyotrophic lateral sclerosis type 1; Neuronopathy, distal hereditary motor, type 7B; Perry syndrome. Last evaluated: 2023-03-07. Review status: criteria provided, single submitter. Criteria: Invitae Variant Classification Sherloc (09022015). Collection method: clinical testing. Allele origin: germline.
Comment: This sequence change replaces arginine, which is basic and polar, with leucine, which is neutral and non-polar, at codon 532 of the DCTN1 protein (p.Arg532Leu). This variant is not present in population databases (gnomAD no frequency). This missense change has been observed in individual(s) with DCTN1-related conditions (PMID: 23143281). ClinVar contains an entry for this variant (Variation ID: 808777). Advanced modeling of protein sequence and biophysical properties (such as structural, functional, and spatial information, amino acid conservation, physicochemical variation, residue mobility, and thermodynamic stability) performed at Invitae indicates that this missense variant is not expected to disrupt DCTN1 protein function. Experimental studies have shown that this missense change does not substantially affect DCTN1 function (PMID: 23143281). In summary, the available evidence is currently insufficient to determine the role of this variant in disease. Therefore, it has been classified as a Variant of Uncertain Significance.

CeGaT Center for Human Genetics Tuebingen
Classification: Uncertain significance. Last evaluated: 2016-06-01. Review status: criteria provided, single submitter. Criteria: CeGaT Center For Human Genetics Tuebingen Variant Classification Criteria Version 2. Collection method: clinical testing. Allele origin: germline. Affected: yes. Observed: 1 variant allele.

Literature cited by the submitters: PubMed 23143281 (cited by Labcorp Genetics (formerly Invitae), Labcorp).